The following is an entry in ClinVar:

NM_015559.3(SETBP1):c.4168G>T (p.Ala1390Ser)

Gene: SETBP1 (SET binding protein 1; plus strand). Cytogenetic location: 18q12.3.
Variant type: single nucleotide variant.
Coding change: c.4168G>T on transcript NM_015559.3 (MANE Select); coding-DNA position 4168, G replaced by T.
Protein change: p.Ala1390Ser; replaces alanine 1390 with serine.
Molecular consequence: missense variant.
Genome position (GRCh38, 1-based): chr18:45,038,652, G>T. VCF-style: chr18-45038652-G-T. GRCh37 (hg19) VCF-style: chr18-42618617-G-T.
Other names: c.4168G>T, p.Ala1390Ser (NM_001379141.1, NM_001379142.1); short protein forms A1390S.
Identifiers: ClinVar variation 2111816 (VCV002111816.4), dbSNP rs766745645, ClinGen allele CA402482659.

ClinVar aggregate classification (germline): Uncertain significance (1 of 4 stars; one submission).

gnomAD v4.1: 7 of 1,614,044 alleles (0.00043%); highest among the groups gnomAD compares: Middle Eastern, 0.017%; no homozygotes.

Submission:

Labcorp Genetics (formerly Invitae), Labcorp
Classification: Uncertain significance. Last evaluated: 2024-10-23. Review status: criteria provided, single submitter. Criteria: Invitae Variant Classification Sherloc (09022015). Collection method: clinical testing. Allele origin: germline.
Comment: This sequence change replaces alanine, which is neutral and non-polar, with serine, which is neutral and polar, at codon 1390 of the SETBP1 protein (p.Ala1390Ser). This variant is not present in population databases (gnomAD no frequency). This variant has not been reported in the literature in individuals affected with SETBP1-related conditions. ClinVar contains an entry for this variant (Variation ID: 2111816). Invitae Evidence Modeling of protein sequence and biophysical properties (such as structural, functional, and spatial information, amino acid conservation, physicochemical variation, residue mobility, and thermodynamic stability) indicates that this missense variant is not expected to disrupt SETBP1 protein function with a negative predictive value of 80%. In summary, the available evidence is currently insufficient to determine the role of this variant in disease. Therefore, it has been classified as a Variant of Uncertain Significance.